The following is an entry in ClinVar:

NM_000138.5(FBN1):c.3089_3092del (p.Asn1030fs)

Gene: FBN1 (fibrillin 1; minus strand). Cytogenetic location: 15q21.1.
Variant type: Deletion.
Coding change: c.3089_3092del on transcript NM_000138.5 (MANE Select); coding-DNA positions 3089 to 3092, 4 bases deleted (ATGA; older notation c.3089_3092delATGA).
Protein change: p.Asn1030fs; shifts the reading frame from asparagine 1030.
Molecular consequence: frameshift variant.
Genome position (GRCh38, 1-based): chr15:48,488,484-48,488,487, TCAT deleted on the plus strand (ATGA on the coding strand, the reverse complement: FBN1 is on the minus strand); deleting any 4 consecutive bases within chr15:48,488,484-48,488,488 gives the same sequence; the c. name uses the placement nearest the transcript's 3' end. VCF-style (leftmost placement, unchanged base first): chr15-48488483-CTCAT-C. GRCh37 (hg19) VCF-style: chr15-48780680-CTCAT-C.
Other names: c.3089_3092del, p.Asn1030fs (NM_001406716.1); short protein forms N1030fs.
Identifiers: ClinVar variation 2921421 (VCV002921421.3), dbSNP rs2505553844, ClinGen allele CA2740096647.

ClinVar aggregate classification (germline): Pathogenic (1 of 4 stars; one submission).

Conditions:
Marfan syndrome (MFS). Also called: MARFAN SYNDROME, TYPE I; Marfan syndrome type 1; Marfan's syndrome; Marfan syndrome, classic; FBN1-Related Marfan Syndrome. Identifiers: Orphanet 284963, Orphanet 558, MedGen C0024796, MONDO:0007947, OMIM 154700.
Familial thoracic aortic aneurysm and aortic dissection (TAAD). Also called: Thoracic aortic aneurysms and dissections. Identifiers: Orphanet 91387, MedGen C4707243, MONDO:0019625.

Submission:

Labcorp Genetics (formerly Invitae), Labcorp
Classification: Pathogenic for Marfan syndrome; Familial thoracic aortic aneurysm and aortic dissection. Last evaluated: 2023-12-14. Review status: criteria provided, single submitter. Criteria: Invitae Variant Classification Sherloc (09022015). Collection method: clinical testing. Allele origin: germline.
Comment: This sequence change creates a premature translational stop signal (p.Asn1030Serfs*4) in the FBN1 gene. It is expected to result in an absent or disrupted protein product. Loss-of-function variants in FBN1 are known to be pathogenic (PMID: 17657824, 19293843). This variant is not present in population databases (gnomAD no frequency). This variant has not been reported in the literature in individuals affected with FBN1-related conditions. For these reasons, this variant has been classified as Pathogenic.

Literature cited by the submitters: PubMed 17657824; PubMed 19293843.